The following is an entry in ClinVar:

NM_001110556.2(FLNA):c.1765G>A (p.Gly589Ser)

Gene: FLNA (filamin A; minus strand). Cytogenetic location: Xq28.
Variant type: single nucleotide variant.
Coding change: c.1765G>A on transcript NM_001110556.2 (MANE Select); coding-DNA position 1765, G replaced by A.
Protein change: p.Gly589Ser; replaces glycine 589 with serine.
Molecular consequence: missense variant.
Genome position (GRCh38, 1-based): chrX:154,364,884, C>T on the plus strand (G>A on the coding strand, the complement: FLNA is on the minus strand). VCF-style: chrX-154364884-C-T. GRCh37 (hg19) VCF-style: chrX-153593252-C-T.
Other names: c.1765G>A, p.Gly589Ser (NM_001456.4); short protein forms G589S.
Identifiers: ClinVar variation 1337340 (VCV001337340.16), dbSNP rs782371876, ClinGen allele CA10561085.
Genomic context (GRCh38, chrX:154,364,884, plus strand): 5'-GCGTGCCCACGTCGTCCCCGATAGCCTCCACCACAAAGTCTGCTGACTTGCCAACGACGC[C>T]GCCCTCCAGCCCAGGGCCCCAGGCCCGTACCTTCTGATTGCCACACTCGGTGCCCACCTT-3'
Protein context (NP_001104026.1, residues 579-599): VRAWGPGLEG[Gly589Ser]VVGKSADFVV

ClinVar aggregate classification (germline): Conflicting classifications of pathogenicity. Review status: criteria provided, conflicting classifications (1 of 4 stars). 4 submissions from 4 submitters: Uncertain significance (3); Likely benign (1). Last evaluated 2025-12-30.

Conditions:
Melnick-Needles syndrome (MNS). Also called: MELNICK-NEEDLES OSTEODYSPLASTY; OSTEODYSPLASTY OF MELNICK AND NEEDLES; Melnick-Needles Syndrome (FLNA-MNS). Identifiers: Orphanet 2484, MedGen C0025237, MONDO:0010650, OMIM 309350.
Oto-palato-digital syndrome, type II (OPD2). Also called: FACIOPALATOOSSEOUS SYNDROME; OPD II SYNDROME; Otopalatodigital Syndrome, Type II; Otopalatodigital Syndrome Type 2 (FLNA-OPD2). Identifiers: Orphanet 669, Orphanet 90652, MedGen C1844696, MONDO:0010571, OMIM 304120.
Heterotopia, periventricular, X-linked dominant (PVNH1). Also called: PERIVENTRICULAR NODULAR HETEROTOPIA 1; X-linked periventricular heterotopia; PERIVENTRICULAR NODULAR HETEROTOPIA 4; HETEROTOPIA, PERIVENTRICULAR, 1. Identifiers: Orphanet 2149, Orphanet 82004, MedGen C1848213, MONDO:0010233, OMIM 300049.
Frontometaphyseal dysplasia (FMD1). Identifiers: Orphanet 1826, MedGen C0265293, MONDO:0015942.
Familial thoracic aortic aneurysm and aortic dissection (TAAD). Also called: Thoracic aortic aneurysms and dissections. Identifiers: Orphanet 91387, MedGen C4707243, MONDO:0019625.

Allele frequency attached by ClinVar (database versions not stated): ExAC 0.00002; gnomAD exomes below 0.00001 and 0.00002; gnomAD 0.00001; TOPMed 0.00001.
gnomAD v4.1: 6 of 1,210,104 alleles (0.0005%); highest among the groups gnomAD compares: Admixed American, 0.0044%; no homozygotes.

Submissions (4):

GeneDx
Classification: Uncertain significance. Last evaluated: 2025-12-30. Review status: criteria provided, single submitter. Criteria: GeneDx Variant Classification Process June 2021. Collection method: clinical testing. Allele origin: germline.
Comment: In silico analysis supports that this missense variant has a deleterious effect on protein structure/function; Has not been previously published as pathogenic or benign to our knowledge

Ambry Genetics
Classification: Uncertain significance for Familial thoracic aortic aneurysm and aortic dissection. Last evaluated: 2025-05-29. Review status: criteria provided, single submitter. Criteria: Ambry Variant Classification Scheme 2023. Collection method: clinical testing. Allele origin: germline.
Comment: The p.G589S variant (also known as c.1765G>A), located in coding exon 11 of the FLNA gene, results from a G to A substitution at nucleotide position 1765. The glycine at codon 589 is replaced by serine, an amino acid with similar properties. Based on data from gnomAD, the A allele has an overall frequency of <0.01% (3/181597) total alleles studied, with 1 hemizygote(s) observed. The highest observed frequency was <0.01% (1/27379) of Latino alleles. This amino acid position is highly conserved in available vertebrate species. In addition, this alteration is predicted to be deleterious by in silico analysis. Since supporting evidence is limited at this time, the clinical significance of this alteration remains unclear.

Labcorp Genetics (formerly Invitae), Labcorp
Classification: Likely benign for Oto-palato-digital syndrome, type II; Heterotopia, periventricular, X-linked dominant; Frontometaphyseal dysplasia; Melnick-Needles syndrome. Last evaluated: 2024-06-12. Review status: criteria provided, single submitter. Criteria: Invitae Variant Classification Sherloc (09022015). Collection method: clinical testing. Allele origin: germline.

Genetic Services Laboratory, University of Chicago
Classification: Uncertain significance. Last evaluated: 2019-09-06. Review status: criteria provided, single submitter. Criteria: ACMG Guidelines, 2015. Collection method: clinical testing. Allele origin: germline. Affected: no.